The following is an entry in ClinVar:

NM_001008537.3(NEXMIF):c.1796C>T (p.Thr599Met)

Gene: NEXMIF (neurite extension and migration factor; minus strand). Cytogenetic location: Xq13.3.
Variant type: single nucleotide variant.
Coding change: c.1796C>T on transcript NM_001008537.3 (MANE Select); coding-DNA position 1796, C replaced by T.
Protein change: p.Thr599Met; replaces threonine 599 with methionine.
Molecular consequence: missense variant.
Genome position (GRCh38, 1-based): chrX:74,742,761, G>A on the plus strand (C>T on the coding strand, the complement: NEXMIF is on the minus strand). VCF-style: chrX-74742761-G-A. GRCh37 (hg19) VCF-style: chrX-73962596-G-A.
Other names: short protein forms T599M.
Identifiers: ClinVar variation 1799624 (VCV001799624.11), dbSNP rs1052758203, ClinGen allele CA331301776.
Genomic context (GRCh38, chrX:74,742,761, plus strand): 5'-ACCTCAAAGCTACCTGGTTCAAAGCTTTGCTTTTGGGAAAAAGGTGTCTTGATGGAGTCC[G>A]TGTTGGTGTTTCTCTGCTTCTTCTTCTTTTGCCAGAAGCCTTTCAAGGGTGCCAGCTTGG-3'
Protein context (NP_001008537.1, residues 589-609): QKKKKQRNTN[Thr599Met]DSIKTPFSQK

ClinVar aggregate classification (germline): Conflicting classifications of pathogenicity. Review status: criteria provided, conflicting classifications (1 of 4 stars). 3 submissions from 3 submitters: Uncertain significance (2); Likely benign (1). Last evaluated 2026-03-01.

Allele frequency attached by ClinVar (database versions not stated): gnomAD exomes 0.00001; TOPMed 0.00002.
gnomAD v4.1: 15 of 1,210,930 alleles (0.0012%); highest among the groups gnomAD compares: Admixed American, 0.0087%; no homozygotes.

Submissions (3):

CeGaT Center for Human Genetics Tuebingen
Classification: Likely benign. Last evaluated: 2026-03-01. Review status: criteria provided, single submitter. Criteria: CeGaT Center For Human Genetics Tuebingen Variant Classification Criteria Version 2. Collection method: clinical testing. Allele origin: germline. Affected: yes. Observed: 1 variant allele.
Comment: NEXMIF: BP4, BS2

Labcorp Genetics (formerly Invitae), Labcorp
Classification: Uncertain significance. Last evaluated: 2022-03-18. Review status: criteria provided, single submitter. Criteria: Invitae Variant Classification Sherloc (09022015). Collection method: clinical testing. Allele origin: germline.
Comment: In summary, the available evidence is currently insufficient to determine the role of this variant in disease. Therefore, it has been classified as a Variant of Uncertain Significance. Algorithms developed to predict the effect of missense changes on protein structure and function output the following: SIFT: "Tolerated"; PolyPhen-2: "Benign"; Align-GVGD: "Class C0". The methionine amino acid residue is found in multiple mammalian species, which suggests that this missense change does not adversely affect protein function. This sequence change replaces threonine, which is neutral and polar, with methionine, which is neutral and non-polar, at codon 599 of the NEXMIF protein (p.Thr599Met). The frequency data for this variant in the population databases is considered unreliable, as metrics indicate poor data quality at this position in the gnomAD database. This variant has not been reported in the literature in individuals affected with NEXMIF-related conditions.

Ambry Genetics
Classification: Uncertain significance. Last evaluated: 2019-08-02. Review status: criteria provided, single submitter. Criteria: Ambry Variant Classification Scheme 2023. Collection method: clinical testing. Allele origin: germline.
Comment: The p.T599M variant (also known as c.1796C>T), located in coding exon 2 of the KIAA2022 gene, results from a C to T substitution at nucleotide position 1796. The threonine at codon 599 is replaced by methionine, an amino acid with similar properties. This amino acid position is poorly conserved in available vertebrate species. In addition, this alteration is predicted to be tolerated by in silico analysis. Since supporting evidence is limited at this time, the clinical significance of this alteration remains unclear.